The following is an entry in ClinVar:

ClinVar aggregate classification (germline): Uncertain significance. Review status: criteria provided, multiple submitters, no conflicts (2 of 4 stars). 2 submissions from 2 submitters: Uncertain significance (2). Last evaluated 2023-11-02.

Conditions:
Beckwith-Wiedemann syndrome (BWS). Also called: Exomphalos macroglossia gigantism syndrome; EMG SYNDROME. Identifiers: Orphanet 116, MedGen C0004903, MONDO:0007534, OMIM 130650.

Allele frequency attached by ClinVar (database versions not stated): gnomAD exomes below 0.00001; TOPMed below 0.00001.
gnomAD v4.1: 1 of 1,599,712 alleles (0.000063%); highest among the groups gnomAD compares: South Asian, 0.0011%; no homozygotes.

Submissions (2):

Baylor Genetics
Classification: Uncertain significance for Beckwith-Wiedemann syndrome. Last evaluated: 2023-11-02. Review status: criteria provided, single submitter. Criteria: ACMG Guidelines, 2015. Collection method: clinical testing. Allele origin: unknown.

Labcorp Genetics (formerly Invitae), Labcorp
Classification: Uncertain significance for Beckwith-Wiedemann syndrome. Last evaluated: 2022-09-21. Review status: criteria provided, single submitter. Criteria: Invitae Variant Classification Sherloc (09022015). Collection method: clinical testing. Allele origin: germline.
Comment: In summary, the available evidence is currently insufficient to determine the role of this variant in disease. Therefore, it has been classified as a Variant of Uncertain Significance. Advanced modeling of protein sequence and biophysical properties (such as structural, functional, and spatial information, amino acid conservation, physicochemical variation, residue mobility, and thermodynamic stability) performed at Invitae indicates that this missense variant is not expected to disrupt CDKN1C protein function. This variant has not been reported in the literature in individuals affected with CDKN1C-related conditions. This variant is not present in population databases (gnomAD no frequency). This sequence change replaces aspartic acid, which is acidic and polar, with asparagine, which is neutral and polar, at codon 57 of the CDKN1C protein (p.Asp57Asn).

NM_001122630.2(CDKN1C):c.136G>A (p.Asp46Asn)

Gene: CDKN1C (cyclin dependent kinase inhibitor 1C; minus strand). Cytogenetic location: 11p15.4.
Variant type: single nucleotide variant.
Coding change: c.136G>A on transcript NM_001122630.2 (MANE Select); coding-DNA position 136, G replaced by A.
Protein change: p.Asp46Asn; replaces aspartic acid 46 with asparagine.
Molecular consequence: missense variant.
Genome position (GRCh38, 1-based): chr11:2,885,321, C>T on the plus strand (G>A on the coding strand, the complement: CDKN1C is on the minus strand). VCF-style: chr11-2885321-C-T. GRCh37 (hg19) VCF-style: chr11-2906551-C-T.
Other names: c.169G>A, p.Asp57Asn (NM_000076.2, NM_001362474.2); c.136G>A, p.Asp46Asn (NM_001122631.2, NM_001362475.2); short protein forms D57N, D46N.
Identifiers: ClinVar variation 2149288 (VCV002149288.5), dbSNP rs1848974723, ClinGen allele CA379147534.
Genomic context (GRCh38, chr11:2,885,321, plus strand): 5'-GGCGTCCAGGGCCCCGCAGCGGCATGTCCTGCTGGAAGTCGTAATCCCAGCGGTTCTGGT[C>T]CTCGGCGTTCAGCTCGGCCAGGCGGGCCTGCAGCTCGCGGCTCAGCTCCTCGTGGTCCAC-3'
Protein context (NP_001116102.1, residues 36-56): QARLAELNAE[Asp46Asn]QNRWDYDFQQ